The following is an entry in ClinVar:

NM_005477.3(HCN4):c.2270_2274del (p.His757fs)

Gene: HCN4 (hyperpolarization activated cyclic nucleotide gated potassium channel 4; minus strand). Cytogenetic location: 15q24.1.
Variant type: Deletion.
Coding change: c.2270_2274del on transcript NM_005477.3 (MANE Select); coding-DNA positions 2270 to 2274, 5 bases deleted (ACCGC; older notation c.2270_2274delACCGC).
Protein change: p.His757fs; shifts the reading frame from histidine 757.
Molecular consequence: frameshift variant.
Genome position (GRCh38, 1-based): chr15:73,323,819-73,323,823, GCGGT deleted on the plus strand (ACCGC on the coding strand, the reverse complement: HCN4 is on the minus strand); deleting any 5 consecutive bases within chr15:73,323,819-73,323,826 gives the same sequence; the c. name uses the placement nearest the transcript's 3' end. VCF-style (leftmost placement, unchanged base first): chr15-73323818-CGCGGT-C. GRCh37 (hg19) VCF-style: chr15-73616159-CGCGGT-C.
Other names: short protein forms H757fs.
Identifiers: ClinVar variation 2031196 (VCV002031196.4), dbSNP rs2549069172, ClinGen allele CA2580089996.

ClinVar aggregate classification (germline): Uncertain significance (1 of 4 stars; one submission).

Conditions:
Brugada syndrome 8 (BRGDA8). Identifiers: Orphanet 130, MedGen C2751083, MONDO:0013148, OMIM 613123.

Submission:

Labcorp Genetics (formerly Invitae), Labcorp
Classification: Uncertain significance for Brugada syndrome 8. Last evaluated: 2022-09-19. Review status: criteria provided, single submitter. Criteria: Invitae Variant Classification Sherloc (09022015). Collection method: clinical testing. Allele origin: germline.
Comment: This variant is not present in population databases (gnomAD no frequency). In summary, the available evidence is currently insufficient to determine the role of this variant in disease. Therefore, it has been classified as a Variant of Uncertain Significance. This variant has not been reported in the literature in individuals affected with HCN4-related conditions. This sequence change creates a premature translational stop signal (p.His757Argfs*213) in the HCN4 gene. While this is not anticipated to result in nonsense mediated decay, it is expected to disrupt the last 447 amino acid(s) of the HCN4 protein.